The following is an entry in ClinVar:

NM_001165963.4(SCN1A):c.2415+16G>A

Gene: SCN1A (sodium voltage-gated channel alpha subunit 1; minus strand). Cytogenetic location: 2q24.3.
Variant type: single nucleotide variant.
Coding change: c.2415+16G>A on transcript NM_001165963.4 (MANE Select); 16 bases into the intron after coding-DNA position 2415, G replaced by A.
Molecular consequence: intron variant. On other transcripts: 5 prime UTR variant (1).
Genome position (GRCh38, 1-based): chr2:166,041,215, C>T on the plus strand (G>A on the coding strand, the complement: SCN1A is on the minus strand). VCF-style: chr2-166041215-C-T. GRCh37 (hg19) VCF-style: chr2-166897725-C-T.
Other names: c.-28G>A (NM_001353961.2); c.2382+16G>A (NM_001353949.2, NM_001353950.2, NM_001353951.2 and 2 more transcripts); c.2331+16G>A (NM_001353958.2, NM_001353957.2, NM_001165964.3); c.2415+16G>A (NM_001202435.3, NM_001353948.2); c.2379+16G>A (NM_001353955.2, NM_001353954.2); c.2328+16G>A (NM_001353960.2).
Identifiers: ClinVar variation 2855608 (VCV002855608.3), dbSNP rs1181636868, ClinGen allele CA537508404.

ClinVar aggregate classification (germline): Uncertain significance (1 of 4 stars; one submission).

Conditions:
Early-infantile DEE. Also called: Ohtahara syndrome; Early infantile epileptic encephalopathy with suppression bursts; Early infantile epileptic encephalopathy. Identifiers: Orphanet 1934, MedGen C0393706, MONDO:0800491.

Allele frequency attached by ClinVar (database versions not stated): gnomAD exomes below 0.00001.
gnomAD v4.1: 2 of 1,546,264 alleles (0.00013%); highest among the groups gnomAD compares: South Asian, 0.0022%; no homozygotes.

Submission:

Labcorp Genetics (formerly Invitae), Labcorp
Classification: Uncertain significance for Early-infantile DEE. Last evaluated: 2023-05-18. Review status: criteria provided, single submitter. Criteria: Invitae Variant Classification Sherloc (09022015). Collection method: clinical testing. Allele origin: germline.
Comment: This variant is present in population databases (no rsID available, gnomAD 0.006%). This sequence change falls in intron 13 of the SCN1A gene. It does not directly change the encoded amino acid sequence of the SCN1A protein. This variant has not been reported in the literature in individuals affected with SCN1A-related conditions. In summary, the available evidence is currently insufficient to determine the role of this variant in disease. Therefore, it has been classified as a Variant of Uncertain Significance. Algorithms developed to predict the effect of sequence changes on RNA splicing suggest that this variant may disrupt the consensus splice site.